The following is an entry in ClinVar:

NM_001440.4(EXTL3):c.1101G>T (p.Met367Ile)

Gene: EXTL3 (exostosin like glycosyltransferase 3; plus strand). Cytogenetic location: 8p21.1.
Variant type: single nucleotide variant.
Coding change: c.1101G>T on transcript NM_001440.4 (MANE Select); coding-DNA position 1101, G replaced by T.
Protein change: p.Met367Ile; replaces methionine 367 with isoleucine.
Molecular consequence: missense variant.
Genome position (GRCh38, 1-based): chr8:28,717,160, G>T. VCF-style: chr8-28717160-G-T. GRCh37 (hg19) VCF-style: chr8-28574677-G-T.
Other names: short protein forms M367I.
Identifiers: ClinVar variation 1515830 (VCV001515830.6), dbSNP rs757634700, ClinGen allele CA4696139.
Genomic context (GRCh38, chr8:28,717,160, plus strand): 5'-CGAGAAGATTGAGTCTCTGAGGTCTAGCCTTCAGGAGGCCCGCTCCTTCGAAGAGGAAAT[G>T]GAGGGCGACCCTCCCGCCGACTACGATGACCGGATCATTGCCACCCTGAAGGCGGTGCAG-3'
Protein context (NP_001431.1, residues 357-377): LQEARSFEEE[Met367Ile]EGDPPADYDD

ClinVar aggregate classification (germline): Uncertain significance (1 of 4 stars; one submission).

Allele frequency attached by ClinVar (database versions not stated): ExAC 0.00002; gnomAD exomes 0.00002; TOPMed 0.00003.
gnomAD v4.1: 16 of 1,614,246 alleles (0.00099%); highest among the groups gnomAD compares: Admixed American, 0.0083%; no homozygotes.

Submission:

Labcorp Genetics (formerly Invitae), Labcorp
Classification: Uncertain significance. Last evaluated: 2022-08-23. Review status: criteria provided, single submitter. Criteria: Invitae Variant Classification Sherloc (09022015). Collection method: clinical testing. Allele origin: germline.
Comment: This sequence change replaces methionine, which is neutral and non-polar, with isoleucine, which is neutral and non-polar, at codon 367 of the EXTL3 protein (p.Met367Ile). This variant is present in population databases (rs757634700, gnomAD 0.01%). This variant has not been reported in the literature in individuals affected with EXTL3-related conditions. ClinVar contains an entry for this variant (Variation ID: 1515830). Algorithms developed to predict the effect of missense changes on protein structure and function (SIFT, PolyPhen-2, Align-GVGD) all suggest that this variant is likely to be tolerated. In summary, the available evidence is currently insufficient to determine the role of this variant in disease. Therefore, it has been classified as a Variant of Uncertain Significance.